The following is an entry in ClinVar:

ClinVar aggregate classification (germline): Uncertain significance (1 of 4 stars; one submission).

Allele frequency attached by ClinVar (database versions not stated): gnomAD 0.00001; ExAC 0.00005; ESP Exome Variant Server 0.00008.
gnomAD v4.1: 22 of 1,614,052 alleles (0.0014%); highest among the groups gnomAD compares: Admixed American, 0.0033%; no homozygotes.

Submission:

Labcorp Genetics (formerly Invitae), Labcorp
Classification: Uncertain significance. Last evaluated: 2023-09-13. Review status: criteria provided, single submitter. Criteria: Invitae Variant Classification Sherloc (09022015). Collection method: clinical testing. Allele origin: germline.
Comment: Advanced modeling of protein sequence and biophysical properties (such as structural, functional, and spatial information, amino acid conservation, physicochemical variation, residue mobility, and thermodynamic stability) performed at Invitae indicates that this missense variant is not expected to disrupt SLC36A2 protein function. This variant has not been reported in the literature in individuals affected with SLC36A2-related conditions. This variant is present in population databases (rs146886732, gnomAD 0.004%). This sequence change replaces serine, which is neutral and polar, with threonine, which is neutral and polar, at codon 384 of the SLC36A2 protein (p.Ser384Thr). In summary, the available evidence is currently insufficient to determine the role of this variant in disease. Therefore, it has been classified as a Variant of Uncertain Significance.

NM_181776.3(SLC36A2):c.1150T>A (p.Ser384Thr)

Gene: SLC36A2 (solute carrier family 36 member 2; minus strand). Cytogenetic location: 5q33.1.
Variant type: single nucleotide variant.
Coding change: c.1150T>A on transcript NM_181776.3 (MANE Select); coding-DNA position 1150, T replaced by A.
Protein change: p.Ser384Thr; replaces serine 384 with threonine.
Molecular consequence: missense variant.
Genome position (GRCh38, 1-based): chr5:151,322,076, A>T on the plus strand (T>A on the coding strand, the complement: SLC36A2 is on the minus strand). VCF-style: chr5-151322076-A-T. GRCh37 (hg19) VCF-style: chr5-150701637-A-T.
Other names: short protein forms S384T.
Identifiers: ClinVar variation 2868388 (VCV002868388.3), dbSNP rs146886732, ClinGen allele CA3518626.